The following is an entry in ClinVar:

ClinVar aggregate classification (germline): Uncertain significance (1 of 4 stars; one submission).

Allele frequency attached by ClinVar (database versions not stated): ExAC 0.00001; TOPMed 0.00002; gnomAD 0.00003.
gnomAD v4.1: 63 of 1,614,010 alleles (0.0039%); highest among the groups gnomAD compares: Non-Finnish European, 0.0052%; no homozygotes.

Submission:

Labcorp Genetics (formerly Invitae), Labcorp
Classification: Uncertain significance. Last evaluated: 2025-11-03. Review status: criteria provided, single submitter. Criteria: Invitae Variant Classification Sherloc (09022015). Collection method: clinical testing. Allele origin: germline.
Comment: This sequence change replaces isoleucine, which is neutral and non-polar, with valine, which is neutral and non-polar, at codon 238 of the TWNK protein (p.Ile238Val). This variant is present in population databases (rs774241806, gnomAD 0.004%). This variant has not been reported in the literature in individuals affected with TWNK-related conditions. ClinVar contains an entry for this variant (Variation ID: 1403058). Invitae Evidence Modeling of protein sequence and biophysical properties (such as structural, functional, and spatial information, amino acid conservation, physicochemical variation, residue mobility, and thermodynamic stability) indicates that this missense variant is not expected to disrupt TWNK protein function with a negative predictive value of 95%. In summary, the available evidence is currently insufficient to determine the role of this variant in disease. Therefore, it has been classified as a Variant of Uncertain Significance.

NM_021830.5(TWNK):c.712A>G (p.Ile238Val)

Gene: TWNK (twinkle mtDNA helicase; plus strand). Cytogenetic location: 10q24.31.
Variant type: single nucleotide variant.
Coding change: c.712A>G on transcript NM_021830.5 (MANE Select); coding-DNA position 712, A replaced by G.
Protein change: p.Ile238Val; replaces isoleucine 238 with valine.
Molecular consequence: missense variant. On other transcripts: non-coding transcript variant (4), intron variant (3).
Genome position (GRCh38, 1-based): chr10:100,988,922, A>G. VCF-style: chr10-100988922-A-G. GRCh37 (hg19) VCF-style: chr10-102748679-A-G.
Other names: c.712A>G, p.Ile238Val (NM_001163812.2); c.-119-722A>G (NM_001163814.2, NM_001163813.2); c.-57-784A>G (NM_001368275.1); short protein forms I238V.
Identifiers: ClinVar variation 1403058 (VCV001403058.7), dbSNP rs774241806, ClinGen allele CA5653108.
Genomic context (GRCh38, chr10:100,988,922, plus strand): 5'-GGCCTGAAGCTCCTAGAGGCTAAATGCCAGGGGGATGGAGTGAGCTACGAGGAAACCACT[A>G]TTCCCCGACCCAGCGCCTACCACAATCTGTTTGGATTACCACTGATTAGTCGTCGAGATG-3'
Protein context (NP_068602.2, residues 228-248): GDGVSYEETT[Ile238Val]PRPSAYHNLF